The following is an entry in ClinVar:

ClinVar aggregate classification (germline): Uncertain significance (1 of 4 stars; one submission).

Conditions:
Dyskeratosis congenita. Identifiers: Orphanet 1775, MedGen C0265965, MONDO:0015780.

Allele frequency attached by ClinVar (database versions not stated): gnomAD 0.00001; gnomAD exomes 0.00001; TOPMed 0.00002; ESP Exome Variant Server 0.00008.
gnomAD v4.1: 14 of 1,614,024 alleles (0.00087%); highest among the groups gnomAD compares: African/African-American, 0.0013%; no homozygotes.

Submission:

Labcorp Genetics (formerly Invitae), Labcorp
Classification: Uncertain significance for Dyskeratosis congenita. Last evaluated: 2021-08-12. Review status: criteria provided, single submitter. Criteria: Invitae Variant Classification Sherloc (09022015). Collection method: clinical testing. Allele origin: germline.
Comment: This sequence change replaces arginine with lysine at codon 1102 of the CTC1 protein (p.Arg1102Lys). The arginine residue is weakly conserved and there is a small physicochemical difference between arginine and lysine. This variant is not present in population databases (ExAC no frequency). This variant has not been reported in the literature in individuals affected with CTC1-related conditions. Algorithms developed to predict the effect of missense changes on protein structure and function (SIFT, PolyPhen-2, Align-GVGD) all suggest that this variant is likely to be tolerated. In summary, the available evidence is currently insufficient to determine the role of this variant in disease. Therefore, it has been classified as a Variant of Uncertain Significance.

NM_025099.6(CTC1):c.3305G>A (p.Arg1102Lys)

Gene: CTC1 (CST telomere replication complex component 1; minus strand). Cytogenetic location: 17p13.1.
Variant type: single nucleotide variant.
Coding change: c.3305G>A on transcript NM_025099.6 (MANE Select); coding-DNA position 3305, G replaced by A.
Protein change: p.Arg1102Lys; replaces arginine 1102 with lysine.
Molecular consequence: missense variant. On other transcripts: non-coding transcript variant (1).
Genome position (GRCh38, 1-based): chr17:8,228,809, C>T on the plus strand (G>A on the coding strand, the complement: CTC1 is on the minus strand). VCF-style: chr17-8228809-C-T. GRCh37 (hg19) VCF-style: chr17-8132127-C-T.
Other names: short protein forms R1102K.
Identifiers: ClinVar variation 1359425 (VCV001359425.3), dbSNP rs372789589, ClinGen allele CA287529687.
Genomic context (GRCh38, chr17:8,228,809, plus strand): 5'-GCAAACTGCAAGACCACTCTGCCTGGCACTTGGACGAAATCTAGGAGGGAGGCCCACTCT[C>T]TAGGACACAGCCCTAGTGCTGCTGCCACATGGTGATTCCTACAGGTCACCACGGCTTCGG-3'
Protein context (NP_079375.3, residues 1092-1112): HVAAALGLCP[Arg1102Lys]EWASLLDFVQ